The following is an entry in ClinVar:

ClinVar aggregate classification (germline): Likely benign (1 of 4 stars; one submission).

Allele frequency attached by ClinVar (database versions not stated): gnomAD exomes below 0.00001; ExAC 0.00001.
gnomAD v4.1: 3 of 1,614,074 alleles (0.00019%); highest among the groups gnomAD compares: Non-Finnish European, 0.00025%; no homozygotes.

Submission:

GeneDx
Classification: Likely benign. Last evaluated: 2017-06-15. Review status: criteria provided, single submitter. Criteria: GeneDx Variant Classification (06012015). Collection method: clinical testing. Allele origin: germline. Affected: yes.
Comment: This variant is considered likely benign or benign based on one or more of the following criteria: it is a conservative change, it occurs at a poorly conserved position in the protein, it is predicted to be benign by multiple in silico algorithms, and/or has population frequency not consistent with disease.

NM_001130438.3(SPTAN1):c.6090G>A (p.Leu2030=)

Gene: SPTAN1 (spectrin alpha, non-erythrocytic 1; plus strand). Cytogenetic location: 9q34.11.
Variant type: single nucleotide variant.
Coding change: c.6090G>A on transcript NM_001130438.3 (MANE Select); coding-DNA position 6090, G replaced by A.
Protein change: p.Leu2030=; no amino-acid change (leucine 2030 retained).
Molecular consequence: synonymous variant.
Genome position (GRCh38, 1-based): chr9:128,625,789, G>A. VCF-style: chr9-128625789-G-A. GRCh37 (hg19) VCF-style: chr9-131388068-G-A.
Other names: c.6015G>A, p.Leu2005= (NM_001195532.2); c.6090G>A, p.Leu2030= (NM_001363759.2); c.6030G>A, p.Leu2010= (NM_001363765.2); c.6075G>A, p.Leu2025= (NM_003127.4).
Identifiers: ClinVar variation 510071 (VCV000510071.1), dbSNP rs761497643, ClinGen allele CA5265644.
Genomic context (GRCh38, chr9:128,625,789, plus strand): 5'-TGTGGAGTCACCACAAATTGGCTTGTCACTCCTTGTTCAGGAAACTTTTGACGCTGGGCT[G>A]CAGGCCTTCCAGCAGGAAGGCATTGCCAACATCACTGCCCTCAAAGATCAGCTTCTCGCC-3'
Protein context (NP_001123910.1, residues 2020-2040): LTKQETFDAG[Leu2030=]QAFQQEGIAN